The following is an entry in ClinVar:

NM_001349253.2(SCN11A):c.4075G>A (p.Val1359Met)

Gene: SCN11A (sodium voltage-gated channel alpha subunit 11; minus strand). Cytogenetic location: 3p22.2.
Variant type: single nucleotide variant.
Coding change: c.4075G>A on transcript NM_001349253.2 (MANE Select); coding-DNA position 4075, G replaced by A.
Protein change: p.Val1359Met; replaces valine 1359 with methionine.
Molecular consequence: missense variant.
Genome position (GRCh38, 1-based): chr3:38,850,733, C>T on the plus strand (G>A on the coding strand, the complement: SCN11A is on the minus strand). VCF-style: chr3-38850733-C-T. GRCh37 (hg19) VCF-style: chr3-38892224-C-T.
Other names: c.4075G>A, p.Val1359Met (NM_014139.3); short protein forms V1359M.
Identifiers: ClinVar variation 838598 (VCV000838598.6), dbSNP rs777323474, ClinGen allele CA2321604.

ClinVar aggregate classification (germline): Uncertain significance. Review status: criteria provided, multiple submitters, no conflicts (2 of 4 stars). 2 submissions from 2 submitters: Uncertain significance (2). Last evaluated 2024-09-15.

Conditions:
Hereditary sensory and autonomic neuropathy type 7. Also called: Neuropathy, hereditary sensory and autonomic, type VII; HSAN VII. Identifiers: Orphanet 391397, MedGen C3809882, MONDO:0014244, OMIM 615548.
Familial episodic pain syndrome with predominantly lower limb involvement. Also called: Episodic pain syndrome, familial, 3. Identifiers: Orphanet 391384, Orphanet 391392, MedGen C3809899, MONDO:0014247, OMIM 615552.

Allele frequency attached by ClinVar (database versions not stated): gnomAD 0.00001 and 0.00002; gnomAD exomes 0.00001 and 0.00002; TOPMed 0.00002; ExAC 0.00003.
gnomAD v4.1: 21 of 1,605,458 alleles (0.0013%); highest among the groups gnomAD compares: Middle Eastern, 0.066%; no homozygotes.

Submissions (2):

Labcorp Genetics (formerly Invitae), Labcorp
Classification: Uncertain significance for Familial episodic pain syndrome with predominantly lower limb involvement; Hereditary sensory and autonomic neuropathy type 7. Last evaluated: 2024-09-15. Review status: criteria provided, single submitter. Criteria: Invitae Variant Classification Sherloc (09022015). Collection method: clinical testing. Allele origin: germline.
Comment: This sequence change replaces valine, which is neutral and non-polar, with methionine, which is neutral and non-polar, at codon 1359 of the SCN11A protein (p.Val1359Met). This variant is present in population databases (rs777323474, gnomAD 0.004%). This variant has not been reported in the literature in individuals affected with SCN11A-related conditions. ClinVar contains an entry for this variant (Variation ID: 838598). Invitae Evidence Modeling of protein sequence and biophysical properties (such as structural, functional, and spatial information, amino acid conservation, physicochemical variation, residue mobility, and thermodynamic stability) indicates that this missense variant is not expected to disrupt SCN11A protein function with a negative predictive value of 80%. In summary, the available evidence is currently insufficient to determine the role of this variant in disease. Therefore, it has been classified as a Variant of Uncertain Significance.

Department of Pathology and Laboratory Medicine, Sinai Health System
Classification: Uncertain significance for Hereditary sensory and autonomic neuropathy type 7; Familial episodic pain syndrome with predominantly lower limb involvement. Last evaluated: 2021-11-16. Review status: criteria provided, single submitter. Criteria: ACMG Guidelines, 2015. Collection method: research. Allele origin: germline.